The following is an entry in ClinVar:

ClinVar aggregate classification (germline): Uncertain significance. Review status: criteria provided, multiple submitters, no conflicts (2 of 4 stars). 4 submissions from 4 submitters: Uncertain significance (4). Last evaluated 2026-10-01.

Conditions:
Cardiovascular phenotype. Identifiers: MedGen CN230736.
Hereditary cancer-predisposing syndrome. Also called: Neoplastic Syndromes, Hereditary; Hereditary neoplastic syndrome; Tumor predisposition; Hereditary Cancer Syndrome. Identifiers: Orphanet 140162, MedGen C0027672, MeSH D009386, MONDO:0015356.
Neurofibromatosis, type 1 (NF1). Also called: VON RECKLINGHAUSEN DISEASE; NEUROFIBROMATOSIS, TYPE I, SOMATIC; Peripheral type neurofibromatosis; Neurofibromatosis, type I. Identifiers: Orphanet 636, MedGen C0027831, MONDO:0018975, OMIM 162200. Disease mechanism: loss of function.
Juvenile myelomonocytic leukemia (JMML). Also called: LEUKEMIA, JUVENILE MYELOMONOCYTIC, SOMATIC. Identifiers: Orphanet 86834, MedGen C0349639, MONDO:0011908, OMIM 607785, HP:0012209.

Submissions (4):

St. Jude Molecular Pathology, St. Jude Children's Research Hospital
Classification: Uncertain significance for Neurofibromatosis, type 1. Last evaluated: 2026-10-01. Review status: criteria provided, single submitter. Criteria: St. Jude Assertion Criteria 2020. Collection method: clinical testing. Allele origin: germline.
Comment: The NF1 c.2993A>G p.(Tyr998Cys) missense change is absent in gnomAD v2.1.1. The in silico tool REVEL predicts a deleterious effect on protein function, but to our k nowledge this prediction has not been confirmed by functional studies. To our knowledge, this variant has not been reported in individuals with Neurofibromatosis type 1. In summary, the evidence currently available is insufficient to determine the clini cal significance of this variant. It has therefore been classified as of uncertain significance (VUS-Mid).

Labcorp Genetics (formerly Invitae), Labcorp
Classification: Uncertain significance for Neurofibromatosis, type 1. Last evaluated: 2024-04-03. Review status: criteria provided, single submitter. Criteria: Invitae Variant Classification Sherloc (09022015). Collection method: clinical testing. Allele origin: germline.
Comment: This sequence change replaces tyrosine, which is neutral and polar, with cysteine, which is neutral and slightly polar, at codon 998 of the NF1 protein (p.Tyr998Cys). This variant is not present in population databases (gnomAD no frequency). This variant has not been reported in the literature in individuals affected with NF1-related conditions. ClinVar contains an entry for this variant (Variation ID: 1489995). An algorithm developed to predict the effect of missense changes on protein structure and function (PolyPhen-2) suggests that this variant is likely to be disruptive. In summary, the available evidence is currently insufficient to determine the role of this variant in disease. Therefore, it has been classified as a Variant of Uncertain Significance.

Baylor Genetics
Classification: Uncertain significance for Juvenile myelomonocytic leukemia. Last evaluated: 2023-07-23. Review status: criteria provided, single submitter. Criteria: ACMG Guidelines, 2015. Collection method: clinical testing. Allele origin: unknown.

Ambry Genetics
Classification: Uncertain significance for Cardiovascular phenotype; Hereditary cancer-predisposing syndrome. Last evaluated: 2022-08-17. Review status: criteria provided, single submitter. Criteria: Ambry Variant Classification Scheme 2023. Collection method: clinical testing. Allele origin: germline.
Comment: The p.Y998C variant (also known as c.2993A>G), located in coding exon 23 of the NF1 gene, results from an A to G substitution at nucleotide position 2993. The tyrosine at codon 998 is replaced by cysteine, an amino acid with highly dissimilar properties. This amino acid position is conserved. In addition, this alteration is predicted to be deleterious by in silico analysis. Since supporting evidence is limited at this time, the clinical significance of this alteration remains unclear.

NM_001042492.3(NF1):c.2993A>G (p.Tyr998Cys)

Gene: NF1 (neurofibromin 1; plus strand). Cytogenetic location: 17q11.2.
Variant type: single nucleotide variant.
Coding change: c.2993A>G on transcript NM_001042492.3 (MANE Select); coding-DNA position 2993, A replaced by G.
Protein change: p.Tyr998Cys; replaces tyrosine 998 with cysteine.
Molecular consequence: missense variant.
Genome position (GRCh38, 1-based): chr17:31,230,262, A>G. VCF-style: chr17-31230262-A-G. GRCh37 (hg19) VCF-style: chr17-29557280-A-G.
Other names: c.2993A>G, p.Tyr998Cys (NM_000267.4); short protein forms Y998C.
Identifiers: ClinVar variation 1489995 (VCV001489995.12), dbSNP rs1555614496, ClinGen allele CA398986508.